The following is an entry in ClinVar:

ClinVar aggregate classification (germline): Uncertain significance (1 of 4 stars; one submission).

Submission:

Dasa
Classification: Uncertain significance. Last evaluated: 2025-08-28. Review status: criteria provided, single submitter. Criteria: DASA Assertion Criteria. Collection method: clinical testing. Allele origin: germline.
Comment: NM_025137.4(SPG11):c.2341T>A (p.Tyr781Asn) is a missense variant that results in the substitution of tyrosine with asparagine. This variant is absent from population databases. The currently available literature and clinical evidence are not sufficient to establish a definitive association between this variant and the reported condition. Therefore, this variant is classified as a variant of uncertain significance.

NM_025137.4(SPG11):c.2341T>A (p.Tyr781Asn)

Gene: SPG11 (SPG11 vesicle trafficking associated, spatacsin; minus strand). Cytogenetic location: 15q21.1.
Variant type: single nucleotide variant.
Coding change: c.2341T>A on transcript NM_025137.4 (MANE Select); coding-DNA position 2341, T replaced by A.
Protein change: p.Tyr781Asn; replaces tyrosine 781 with asparagine.
Molecular consequence: missense variant.
Genome position (GRCh38, 1-based): chr15:44,622,323, A>T on the plus strand (T>A on the coding strand, the complement: SPG11 is on the minus strand). VCF-style: chr15-44622323-A-T. GRCh37 (hg19) VCF-style: chr15-44914521-A-T.
Other names: c.2341T>A, p.Tyr781Asn (NM_001160227.2, NM_001411132.1); short protein forms Y781N.
Identifiers: ClinVar variation 4885900 (VCV004885900.2).